The following is an entry in ClinVar:

ClinVar aggregate classification (germline): Uncertain significance. Review status: criteria provided, multiple submitters, no conflicts (2 of 4 stars). 2 submissions from 2 submitters: Uncertain significance (2). Last evaluated 2025-03-09.

Conditions:
Hereditary cancer-predisposing syndrome. Also called: Neoplastic Syndromes, Hereditary; Tumor predisposition; Hereditary Cancer Syndrome; Hereditary neoplastic syndrome. Identifiers: Orphanet 140162, MedGen C0027672, MeSH D009386, MONDO:0015356.
Mitochondrial complex II deficiency, nuclear type 1. Also called: SUCCINATE CoQ REDUCTASE DEFICIENCY. Identifiers: Orphanet 3208, MedGen C5700310, MONDO:0100294, OMIM 252011.
Pheochromocytoma/paraganglioma syndrome 5. Also called: Paragangliomas 5; SDHA-Related Hereditary Paraganglioma-Pheochromocytoma Syndrome. Identifiers: Orphanet 29072, MedGen C3279992, MONDO:0013602, OMIM 614165.

Submissions (2):

Labcorp Genetics (formerly Invitae), Labcorp
Classification: Uncertain significance for Pheochromocytoma/paraganglioma syndrome 5; Mitochondrial complex II deficiency, nuclear type 1. Last evaluated: 2025-03-09. Review status: criteria provided, single submitter. Criteria: Invitae Variant Classification Sherloc (09022015). Collection method: clinical testing. Allele origin: germline.
Comment: This sequence change replaces aspartic acid, which is acidic and polar, with histidine, which is basic and polar, at codon 429 of the SDHA protein (p.Asp429His). Information on the frequency of this variant in the gnomAD database is not available, as this variant may be reported differently in the database. This variant has not been reported in the literature in individuals affected with SDHA-related conditions. ClinVar contains an entry for this variant (Variation ID: 3438702). Experimental studies and prediction algorithms are not available or were not evaluated, and the functional significance of this variant is currently unknown. In summary, the available evidence is currently insufficient to determine the role of this variant in disease. Therefore, it has been classified as a Variant of Uncertain Significance.

Ambry Genetics
Classification: Uncertain significance for Hereditary cancer-predisposing syndrome. Last evaluated: 2024-10-08. Review status: criteria provided, single submitter. Criteria: Ambry Variant Classification Scheme 2023. Collection method: clinical testing. Allele origin: germline.
Comment: The c.1284_1285delGGinsAC variant, located in coding exon 10 of the SDHA gene, results from an in-frame deletion of GG and insertion of AC at nucleotide positions 1284 to 1285. This results in the substitution of the aspartic acid residue for a histidine residue at codon 429, an amino acid with similar properties. This amino acid position is highly conserved in available vertebrate species. In addition, the in silico prediction for this alteration is inconclusive (Choi Y et al. PLoS ONE. 2012; 7(10):e46688). Since supporting evidence is limited at this time, the clinical significance of this alteration remains unclear.

NM_004168.4(SDHA):c.1284_1285delinsAC (p.Asp429His)

Gene: SDHA (succinate dehydrogenase complex flavoprotein subunit A; plus strand). Cytogenetic location: 5p15.33.
Variant type: Indel.
Coding change: c.1284_1285delinsAC on transcript NM_004168.4 (MANE Select); coding-DNA positions 1284 to 1285, GG replaced by AC.
Protein change: p.Asp429His; replaces aspartic acid 429 with histidine.
Molecular consequence: missense variant.
Genome position (GRCh38, 1-based): chr5:236,451-236,452, GG replaced by AC. VCF-style: chr5-236451-GG-AC. GRCh37 (hg19) VCF-style: chr5-236566-GG-AC.
Other names: c.1140_1141delinsAC, p.Asp381His (NM_001294332.2); c.1284_1285delinsAC, p.Asp429His (NM_001330758.2); short protein forms D429H, D381H.
Identifiers: ClinVar variation 3438702 (VCV003438702.2).